The following is an entry in ClinVar:

ClinVar aggregate classification (germline): Uncertain significance (1 of 4 stars; one submission).

Conditions:
Inborn genetic diseases. Identifiers: MedGen C0950123, MeSH D030342.

Submission:

Ambry Genetics
Classification: Uncertain significance for Inborn genetic diseases. Last evaluated: 2026-01-04. Review status: criteria provided, single submitter. Criteria: Ambry Variant Classification Scheme 2023. Collection method: clinical testing. Allele origin: germline.
Comment: The p.E197D variant (also known as c.591G>T), located in coding exon 5 of the ETV6 gene, results from a G to T substitution at nucleotide position 591. The glutamic acid at codon 197 is replaced by aspartic acid, an amino acid with highly similar properties. This amino acid position is conserved. In addition, this alteration is predicted to be tolerated by in silico analysis. Based on the available evidence, the clinical significance of this variant remains unclear.

NM_001987.5(ETV6):c.591G>T (p.Glu197Asp)

Gene: ETV6 (ETS variant transcription factor 6; plus strand). Cytogenetic location: 12p13.2.
Variant type: single nucleotide variant.
Coding change: c.591G>T on transcript NM_001987.5 (MANE Select); coding-DNA position 591, G replaced by T.
Protein change: p.Glu197Asp; replaces glutamic acid 197 with aspartic acid.
Molecular consequence: missense variant.
Genome position (GRCh38, 1-based): chr12:11,869,551, G>T. VCF-style: chr12-11869551-G-T. GRCh37 (hg19) VCF-style: chr12-12022485-G-T.
Other names: c.588G>T, p.Glu196Asp (NM_001413913.1); c.564G>T, p.Glu188Asp (NM_001413914.1); c.327G>T, p.Glu109Asp (NM_001413915.1); c.591G>T, p.Glu197Asp (NM_001413916.1, NM_001413917.1); short protein forms E109D, E197D, E188D, E196D.
Identifiers: ClinVar variation 4842525 (VCV004842525.1).